The following is an entry in ClinVar:

NM_001040108.2(MLH3):c.3775C>G (p.Leu1259Val)

Gene: MLH3 (mutL homolog 3; minus strand). Cytogenetic location: 14q24.3.
Variant type: single nucleotide variant.
Coding change: c.3775C>G on transcript NM_001040108.2 (MANE Select); coding-DNA position 3775, C replaced by G.
Protein change: p.Leu1259Val; replaces leucine 1259 with valine.
Molecular consequence: missense variant.
Genome position (GRCh38, 1-based): chr14:75,032,120, G>C on the plus strand (C>G on the coding strand, the complement: MLH3 is on the minus strand). VCF-style: chr14-75032120-G-C. GRCh37 (hg19) VCF-style: chr14-75498823-G-C.
Other names: c.3703C>G, p.Leu1235Val (NM_014381.3); short protein forms L1259V, L1235V.
Identifiers: ClinVar variation 1734793 (VCV001734793.5), dbSNP rs2503132072, ClinGen allele CA390424918.

ClinVar aggregate classification (germline): Conflicting classifications of pathogenicity. Review status: criteria provided, conflicting classifications (1 of 4 stars). 2 submissions from 2 submitters: Uncertain significance (1); Likely benign (1). Last evaluated 2023-05-16.

Conditions:
Colorectal cancer, hereditary nonpolyposis, type 7. Identifiers: Orphanet 144, MedGen C1858380, MONDO:0013725, OMIM 614385.

Allele frequency attached by ClinVar (database versions not stated): gnomAD exomes below 0.00001.
gnomAD v4.1: 1 of 1,614,016 alleles (0.000062%); highest among the groups gnomAD compares: South Asian, 0.0011%; no homozygotes.

Submissions (2):

Labcorp Genetics (formerly Invitae), Labcorp
Classification: Uncertain significance for Colorectal cancer, hereditary nonpolyposis, type 7. Last evaluated: 2023-05-16. Review status: criteria provided, single submitter. Criteria: Invitae Variant Classification Sherloc (09022015). Collection method: clinical testing. Allele origin: germline.
Comment: In summary, the available evidence is currently insufficient to determine the role of this variant in disease. Therefore, it has been classified as a Variant of Uncertain Significance. This sequence change replaces leucine, which is neutral and non-polar, with valine, which is neutral and non-polar, at codon 1259 of the MLH3 protein (p.Leu1259Val). This variant is not present in population databases (gnomAD no frequency). This variant has not been reported in the literature in individuals affected with MLH3-related conditions. ClinVar contains an entry for this variant (Variation ID: 1734793). Algorithms developed to predict the effect of missense changes on protein structure and function output the following: SIFT: "Not Available"; PolyPhen-2: "Benign"; Align-GVGD: "Not Available". The valine amino acid residue is found in multiple mammalian species, which suggests that this missense change does not adversely affect protein function.

Ambry Genetics
Classification: Likely benign. Last evaluated: 2021-07-27. Review status: criteria provided, single submitter. Criteria: Ambry Variant Classification Scheme 2023. Collection method: clinical testing. Allele origin: germline.